The following is an entry in ClinVar:

ClinVar aggregate classification (germline): Uncertain significance (1 of 4 stars; one submission).

Conditions:
ANKRD11-related disorder. Also called: ANKRD11-related condition.

Allele frequency attached by ClinVar (database versions not stated): gnomAD exomes below 0.00001.
gnomAD v4.1: 4 of 1,613,954 alleles (0.00025%); highest among the groups gnomAD compares: Non-Finnish European, 0.00034%; no homozygotes.

Submission:

PreventionGenetics, part of Exact Sciences
Classification: Uncertain significance for ANKRD11-related condition. Last evaluated: 2022-09-13. Review status: criteria provided, single submitter. Criteria: ACMG Guidelines, 2015. Collection method: clinical testing. Allele origin: germline.
Comment: The ANKRD11 c.4411G>A variant is predicted to result in the amino acid substitution p.Asp1471Asn. To our knowledge, this variant has not been reported in the literature or in a large population database, indicating this variant is rare. At this time, the clinical significance of this variant is uncertain due to the absence of conclusive functional and genetic evidence.

NM_013275.6(ANKRD11):c.4411G>A (p.Asp1471Asn)

Gene: ANKRD11 (ankyrin repeat domain containing 11; minus strand). Cytogenetic location: 16q24.3.
Variant type: single nucleotide variant.
Coding change: c.4411G>A on transcript NM_013275.6 (MANE Select); coding-DNA position 4411, G replaced by A.
Protein change: p.Asp1471Asn; replaces aspartic acid 1471 with asparagine.
Molecular consequence: missense variant.
Genome position (GRCh38, 1-based): chr16:89,282,131, C>T on the plus strand (G>A on the coding strand, the complement: ANKRD11 is on the minus strand). VCF-style: chr16-89282131-C-T. GRCh37 (hg19) VCF-style: chr16-89348539-C-T.
Other names: c.4411G>A, p.Asp1471Asn (NM_001256182.2, NM_001256183.2); short protein forms D1471N.
Identifiers: ClinVar variation 2637105 (VCV002637105.1), dbSNP rs2544232913, ClinGen allele CA397157626.
Genomic context (GRCh38, chr16:89,282,131, plus strand): 5'-CGTCCCTGTGATGCCGCAGCAGCCCATCCGCATGCCTGTCCCGGTGCCTCTCCTTCTCGT[C>T]TCTCCATTTCTCCCTGTGTTTCTCTCTCTTCTTCTTCTCTTTTAGGATGTTGATGGCACT-3'
Protein context (NP_037407.4, residues 1461-1481): KREKHREKWR[Asp1471Asn]EKERHRDRHA